The following is an entry in ClinVar:

NM_000492.4(CFTR):c.3294G>A (p.Trp1098Ter)

Genes: CFTR (CF transmembrane conductance regulator; plus strand), CFTR-AS2 (CFTR antisense RNA 2; minus strand), LOC111674472 (DNase I hypersensitive sites in introns 16 and 17a of CFTR; plus strand). Cytogenetic location: 7q31.2.
Variant type: single nucleotide variant.
Coding change: c.3294G>A on transcript NM_000492.4 (MANE Select); coding-DNA position 3294, G replaced by A.
Protein change: p.Trp1098Ter; replaces tryptophan 1098 with a stop codon.
Molecular consequence: nonsense.
Genome position (GRCh38, 1-based): chr7:117,611,735, G>A. VCF-style: chr7-117611735-G-A. GRCh37 (hg19) VCF-style: chr7-117251789-G-A.
Other names: short protein forms W1098X.
Identifiers: ClinVar variation 209057 (VCV000209057.14), dbSNP rs397508533, ClinGen allele CA276112.
Genomic context (GRCh38, chr7:117,611,735, plus strand): 5'-CCACAAAGCTCTGAATTTACATACTGCCAACTGGTTCTTGTACCTGTCAACACTGCGCTG[G>A]TTCCAAATGAGAATAGAAATGATTTTTGTCATCTTCTTCATTGCTGTTACCTTCATTTCC-3'

ClinVar aggregate classification (germline): Pathogenic. Review status: reviewed by expert panel (3 of 4 stars). 5 submissions from 5 submitters: Pathogenic (1). 4 of the submissions do not count toward it. Last evaluated 2017-03-17.

Conditions:
CFTR-related disorder (CFTR-RD). Also called: CFTR-related disorders; CFTR-related condition. Identifiers: MedGen C5924204, MONDO:7770004.
Cystic fibrosis (CF). Also called: MUCOVISCIDOSIS. Identifiers: Orphanet 586, MedGen C0010674, MONDO:0009061, OMIM 219700. Disease mechanism: loss of function.

Submissions (5):

CFTR2
Classification: Pathogenic for Cystic fibrosis. Last evaluated: 2017-03-17. Review status: reviewed by expert panel. Criteria: Sosnay PR et al. (Nat Genet 2013). Collection method: research. Allele origin: germline. Affected: yes. Study: CFTR2.

Women's Health and Genetics/Laboratory Corporation of America, LabCorp
Classification: Pathogenic for Cystic fibrosis. Last evaluated: 2025-09-22. Review status: criteria provided, single submitter. Criteria: LabCorp Variant Classification Summary - May 2015. Collection method: clinical testing. Allele origin: germline. Not counted in ClinVar's aggregate classification.
Comment: Variant summary: CFTR c.3294G>A (p.Trp1098X) results in a premature termination codon, predicted to cause a truncation of the encoded protein or absence of the protein due to nonsense mediated decay, which are commonly known mechanisms for disease. The variant was absent in 251088 control chromosomes. c.3294G>A has been observed in individual(s) affected with Cystic Fibrosis (e.g. Lascano-Vaca_2020). The following publication has been ascertained in the context of this evaluation (PMID: 32143663). ClinVar contains an entry for this variant (Variation ID: 209057). Based on the evidence outlined above, the variant was classified as pathogenic.

Natera, Inc.
Classification: Pathogenic for CFTR-related disorders. Last evaluated: 2024-11-04. Review status: criteria provided, single submitter. Criteria: Natera Variant Classification Schema (03/2026). Collection method: clinical testing. Allele origin: germline. Not counted in ClinVar's aggregate classification.
Comment: The c.3294G>A variant in CFTR is a nonsense variant predicted to introduce a stop codon at amino acid 1098. This variant is expected to result in nonsense mediated decay, truncation, or a dysfunctional protein product. This variant is rare in the general population with a frequency below the threshold expected for the associated phenotype(s). This variant has been observed in one or more individuals affected with the associated recessive disease, as either homozygous or compound heterozygous with a second variant (PMID: 32026723). Given the available evidence, this variant is classified as Pathogenic.

Labcorp Genetics (formerly Invitae), Labcorp
Classification: Pathogenic for Cystic fibrosis. Last evaluated: 2019-07-20. Review status: criteria provided, single submitter. Criteria: Invitae Variant Classification Sherloc (09022015). Collection method: clinical testing. Allele origin: germline. Not counted in ClinVar's aggregate classification.
Comment: This variant is not present in population databases (ExAC no frequency). This variant has been observed in several individuals affected with cystic fibrosis (PMID: 23974870). ClinVar contains an entry for this variant (Variation ID: 209057). Loss-of-function variants in CFTR are known to be pathogenic (PMID: 1695717, 7691345, 9725922). For these reasons, this variant has been classified as Pathogenic. This sequence change creates a premature translational stop signal (p.Trp1098*) in the CFTR gene. It is expected to result in an absent or disrupted protein product.

CFTR-France
Classification: Pathogenic for cystic fibrosis. Last evaluated: 2018-01-29. Review status: criteria provided, single submitter. Criteria: Claustres M et al. (Hum Mutat 2017). Collection method: curation. Allele origin: germline. Affected: yes. Not counted in ClinVar's aggregate classification.

Literature cited by the submitters: PubMed 32143663 (cited by Women's Health and Genetics/Laboratory Corporation of America, LabCorp); PubMed 32026723 (cited by Natera, Inc.); PubMed 23974870 (cited by Labcorp Genetics (formerly Invitae), Labcorp); PubMed 1695717 (cited by Labcorp Genetics (formerly Invitae), Labcorp); PubMed 7691345 (cited by Labcorp Genetics (formerly Invitae), Labcorp); PubMed 9725922 (cited by Labcorp Genetics (formerly Invitae), Labcorp).